The following is an entry in ClinVar:

ClinVar aggregate classification (germline): Pathogenic (1 of 4 stars; one submission).

Conditions:
Infantile neuroaxonal dystrophy (NBIA2A). Also called: SEITELBERGER DISEASE; NEURODEGENERATION WITH BRAIN IRON ACCUMULATION 2A; Infantile neuroaxonal dystrophy 1. Identifiers: Orphanet 35069, MedGen C0270724, MONDO:0024457, OMIM 256600.

Submission:

Labcorp Genetics (formerly Invitae), Labcorp
Classification: Pathogenic for Infantile neuroaxonal dystrophy. Last evaluated: 2022-02-08. Review status: criteria provided, single submitter. Criteria: Invitae Variant Classification Sherloc (09022015). Collection method: clinical testing. Allele origin: germline.
Comment: For these reasons, this variant has been classified as Pathogenic. ClinVar contains an entry for this variant (Variation ID: 570347). This variant has not been reported in the literature in individuals affected with PLA2G6-related conditions. This variant is not present in population databases (gnomAD no frequency). This sequence change creates a premature translational stop signal (p.Phe644Serfs*22) in the PLA2G6 gene. It is expected to result in an absent or disrupted protein product. Loss-of-function variants in PLA2G6 are known to be pathogenic (PMID: 16783378, 18570303, 18799783, 22213678).

Literature cited by the submitters: PubMed 16783378; PubMed 18570303; PubMed 18799783; PubMed 22213678.

NM_003560.4(PLA2G6):c.1931del (p.Phe644fs)

Gene: PLA2G6 (phospholipase A2 group VI; minus strand). Cytogenetic location: 22q13.1.
Variant type: Deletion.
Coding change: c.1931del on transcript NM_003560.4 (MANE Select); coding-DNA position 1931, one base deleted (T; older notation c.1931delT).
Protein change: p.Phe644fs; shifts the reading frame from phenylalanine 644.
Molecular consequence: frameshift variant.
Genome position (GRCh38, 1-based): chr22:38,115,630, A deleted on the plus strand (T on the coding strand, the reverse complement: PLA2G6 is on the minus strand); the first of 2 consecutive A bases (chr22:38,115,630-38,115,631); deleting either gives the same sequence. VCF-style (leftmost placement, unchanged base first): chr22-38115629-GA-G. GRCh37 (hg19) VCF-style: chr22-38511636-GA-G.
Other names: c.1769del, p.Phe590fs (NM_001004426.3, NM_001199562.3, NM_001349865.2 and 1 more transcripts); c.1931del, p.Phe644fs (NM_001349864.2); c.1397del, p.Phe466fs (NM_001349867.2); c.1253del, p.Phe418fs (NM_001349868.2); c.1235del, p.Phe412fs (NM_001349869.2); short protein forms F644fs, F418fs, F412fs, F466fs, F590fs.
Identifiers: ClinVar variation 570347 (VCV000570347.6), dbSNP rs1569243565, ClinGen allele CA891843999.